The following is an entry in ClinVar:

NM_000170.3(GLDC):c.622C>T (p.Gln208Ter)

Gene: GLDC (glycine decarboxylase; minus strand). Cytogenetic location: 9p24.1.
Variant type: single nucleotide variant.
Coding change: c.622C>T on transcript NM_000170.3 (MANE Select); coding-DNA position 622, C replaced by T.
Protein change: p.Gln208Ter; replaces glutamine 208 with a stop codon.
Molecular consequence: nonsense.
Genome position (GRCh38, 1-based): chr9:6,610,205, G>A on the plus strand (C>T on the coding strand, the complement: GLDC is on the minus strand). VCF-style: chr9-6610205-G-A. GRCh37 (hg19) VCF-style: chr9-6610205-G-A.
Other names: short protein forms Q208*.
Identifiers: ClinVar variation 984332 (VCV000984332.5), dbSNP rs1163351205, ClinGen allele CA372898147.
Genomic context (GRCh38, chr9:6,610,205, plus strand): 5'-CGAGGTGGCCCACAACTGGAATTCCAGCACTTTGAGAGGCCTCTCACCTGTAGCACAGCT[G>A]CAGTGCCTCTGCGGCTGCAGTCCCCTCATCCAGCAGGGATGCATTGGCCATGTCCAGGCC-3'

ClinVar aggregate classification (germline): Likely pathogenic. Review status: criteria provided, multiple submitters, no conflicts (2 of 4 stars). 2 submissions from 2 submitters: Likely pathogenic (2). Last evaluated 2019-02-08.

Conditions:
Glycine encephalopathy 1 (GCE1). Identifiers: MedGen CN376801, MONDO:0958179, OMIM 605899.
Glycine encephalopathy. Also called: Nonketotic hyperglycinemia; Non-ketotic hyperglycinemia. Identifiers: Orphanet 407, MedGen C0751748, MONDO:0011612, HP:0008288.

Submissions (2):

Myriad Genetics, Inc.
Classification: Likely pathogenic for Glycine encephalopathy 1. Last evaluated: 2019-02-08. Review status: criteria provided, single submitter. Criteria: Myriad Women's Health Autosomal Recessive and X-Linked Classification Criteria (2019). Collection method: clinical testing. Allele origin: unknown.
Comment: NM_000170.2(GLDC):c.622C>T(Q208*) is expected to be pathogenic in the context of GLDC-related glycine encephalopathy. This variant is predicted to lead to an abnormal or absent protein product due to the creation of a premature termination codon in GLDC, a gene where loss-of-function variants are known to be pathogenic. Please note: this variant was assessed in the context of healthy population screening.

Juno Genomics, Hangzhou Juno Genomics, Inc
Classification: Likely pathogenic for Glycine encephalopathy 1. Review status: criteria provided, single submitter. Criteria: ACMG Guidelines, 2015. Collection method: clinical testing. Allele origin: germline.
Comment: Null variant in a gene where loss of function (LOF) is a known mechanism of disease.;Absent from controls (or at extremely low frequency if recessive) in Genome Aggregation Database.